The following is an entry in ClinVar:

ClinVar aggregate classification (germline): Conflicting classifications of pathogenicity. Review status: criteria provided, conflicting classifications (1 of 4 stars). 2 submissions from 2 submitters: Uncertain significance (1); Likely benign (1). Last evaluated 2024-08-13.

Conditions:
Inborn genetic diseases. Identifiers: MedGen C0950123, MeSH D030342.

Allele frequency attached by ClinVar (database versions not stated): ExAC 0.00002; gnomAD 0.00001; gnomAD exomes 0.00002.
gnomAD v4.1: 11 of 1,612,246 alleles (0.00068%); highest among the groups gnomAD compares: Admixed American, 0.018%; no homozygotes.

Submissions (2):

Labcorp Genetics (formerly Invitae), Labcorp
Classification: Uncertain significance. Last evaluated: 2024-08-13. Review status: criteria provided, single submitter. Criteria: Invitae Variant Classification Sherloc (09022015). Collection method: clinical testing. Allele origin: germline.
Comment: This sequence change replaces alanine, which is neutral and non-polar, with serine, which is neutral and polar, at codon 2359 of the BPTF protein (p.Ala2359Ser). This variant is present in population databases (rs782782569, gnomAD 0.03%). This variant has not been reported in the literature in individuals affected with BPTF-related conditions. ClinVar contains an entry for this variant (Variation ID: 2070028). An algorithm developed to predict the effect of missense changes on protein structure and function outputs the following: PolyPhen-2: "Benign". The serine amino acid residue is found in multiple mammalian species, which suggests that this missense change does not adversely affect protein function. In summary, the available evidence is currently insufficient to determine the role of this variant in disease. Therefore, it has been classified as a Variant of Uncertain Significance.

Ambry Genetics
Classification: Likely benign for Inborn genetic diseases. Last evaluated: 2022-09-14. Review status: criteria provided, single submitter. Criteria: Ambry Variant Classification Scheme 2023. Collection method: clinical testing. Allele origin: germline.

NM_182641.4(BPTF):c.6697G>T (p.Ala2233Ser)

Gene: BPTF (bromodomain PHD finger transcription factor; plus strand). Cytogenetic location: 17q24.2.
Variant type: single nucleotide variant.
Coding change: c.6697G>T on transcript NM_182641.4 (MANE Select); coding-DNA position 6697, G replaced by T.
Protein change: p.Ala2233Ser; replaces alanine 2233 with serine.
Molecular consequence: missense variant.
Genome position (GRCh38, 1-based): chr17:67,944,369, G>T. VCF-style: chr17-67944369-G-T. GRCh37 (hg19) VCF-style: chr17-65940485-G-T.
Other names: c.7075G>T, p.Ala2359Ser (NM_004459.7); short protein forms A2233S, A2359S.
Identifiers: ClinVar variation 2070028 (VCV002070028.5), dbSNP rs782782569, ClinGen allele CA8726247.